The following is an entry in ClinVar:

NM_000047.3(ARSL):c.118A>T (p.Ile40Phe)

Gene: ARSL (arylsulfatase L; minus strand). Cytogenetic location: Xp22.33.
Variant type: single nucleotide variant.
Coding change: c.118A>T on transcript NM_000047.3 (MANE Select); coding-DNA position 118, A replaced by T.
Protein change: p.Ile40Phe; replaces isoleucine 40 with phenylalanine.
Molecular consequence: missense variant. On other transcripts: intron variant (1).
Genome position (GRCh38, 1-based): chrX:2,958,341, T>A on the plus strand (A>T on the coding strand, the complement: ARSL is on the minus strand). VCF-style: chrX-2958341-T-A. GRCh37 (hg19) VCF-style: chrX-2876382-T-A.
Other names: c.193A>T, p.Ile65Phe (NM_001282628.2, NM_001369080.1); c.145A>T, p.Ile49Phe (NM_001369079.1); c.23+2037A>T (NM_001282631.2); short protein forms I40F, I49F, I65F.
Identifiers: ClinVar variation 3343121 (VCV003343121.2).

ClinVar aggregate classification (germline): Uncertain significance. Review status: criteria provided, multiple submitters, no conflicts (2 of 4 stars). 2 submissions from 2 submitters: Uncertain significance (2). Last evaluated 2024-11-07.

Conditions:
Inborn genetic diseases. Identifiers: MedGen C0950123, MeSH D030342.

Submissions (2):

Ambry Genetics
Classification: Uncertain significance for Inborn genetic diseases. Last evaluated: 2024-11-07. Review status: criteria provided, single submitter. Criteria: Ambry Variant Classification Scheme 2023. Collection method: clinical testing. Allele origin: germline.

GeneDx
Classification: Uncertain significance. Last evaluated: 2023-04-14. Review status: criteria provided, single submitter. Criteria: GeneDx Variant Classification Process June 2021. Collection method: clinical testing. Allele origin: germline. Affected: yes.
Comment: Has not been previously published as pathogenic or benign to our knowledge; In silico analysis supports that this missense variant does not alter protein structure/function; Not observed at significant frequency in large population cohorts (gnomAD)